The following is an entry in ClinVar:

NM_005909.5(MAP1B):c.3605C>T (p.Ala1202Val)

Gene: MAP1B (microtubule associated protein 1B; plus strand). Cytogenetic location: 5q13.2.
Variant type: single nucleotide variant.
Coding change: c.3605C>T on transcript NM_005909.5 (MANE Select); coding-DNA position 3605, C replaced by T.
Protein change: p.Ala1202Val; replaces alanine 1202 with valine.
Molecular consequence: missense variant.
Genome position (GRCh38, 1-based): chr5:72,196,960, C>T. VCF-style: chr5-72196960-C-T. GRCh37 (hg19) VCF-style: chr5-71492787-C-T.
Other names: c.3227C>T, p.Ala1076Val (NM_001324255.2); short protein forms A1076V, A1202V.
Identifiers: ClinVar variation 3233896 (VCV003233896.2), dbSNP rs372722008, ClinGen allele CA120033227.
Genomic context (GRCh38, chr5:72,196,960, plus strand): 5'-CGCTCAACGGATTTTCTGAAGGATCAAAAACAGATGCCACTGATGGCAAGGATTACAATG[C>T]TTCAGCCTCTACCATATCACCACCCTCTTCCATGGAGGAAGACAAATTCAGCAGATCTGC-3'
Protein context (NP_005900.2, residues 1192-1212): TDATDGKDYN[Ala1202Val]SASTISPPSS

ClinVar aggregate classification (germline): Uncertain significance (1 of 4 stars; one submission).

Allele frequency attached by ClinVar (database versions not stated): gnomAD exomes below 0.00001; gnomAD 0.00001; TOPMed 0.00003; ESP Exome Variant Server 0.00008.
gnomAD v4.1: 2 of 1,614,098 alleles (0.00012%); highest among the groups gnomAD compares: African/African-American, 0.0027%; no homozygotes.

Submission:

Women's Health and Genetics/Laboratory Corporation of America, LabCorp
Classification: Uncertain significance. Last evaluated: 2024-03-18. Review status: criteria provided, single submitter. Criteria: LabCorp Variant Classification Summary - May 2015. Collection method: clinical testing. Allele origin: germline.
Comment: Variant summary: MAP1B c.3605C>T (p.Ala1202Val) results in a non-conservative amino acid change in the encoded protein sequence. Three of five in-silico tools predict a benign effect of the variant on protein function. The variant was absent in 251338 control chromosomes (gnomAD). The available data on variant occurrences in the general population are insufficient to allow any conclusion about variant significance. To our knowledge, no occurrence of c.3605C>T in individuals affected with Periventricular Nodular Heterotopia 9 and no experimental evidence demonstrating its impact on protein function have been reported. No submitters have cited clinical-significance assessments for this variant to ClinVar. Based on the evidence outlined above, the variant was classified as uncertain significance.